The following is an entry in ClinVar:

NM_001134831.2(AHI1):c.-299G>A

Gene: AHI1 (Abelson helper integration site 1; minus strand). Cytogenetic location: 6q23.3.
Variant type: single nucleotide variant.
Coding change: c.-299G>A on transcript NM_001134831.2 (MANE Select); 299 bases upstream of the start codon, G replaced by A.
Molecular consequence: 5 prime UTR variant.
Genome position (GRCh38, 1-based): chr6:135,497,680, C>T on the plus strand (G>A on the coding strand, the complement: AHI1 is on the minus strand). VCF-style: chr6-135497680-C-T. GRCh37 (hg19) VCF-style: chr6-135818818-C-T.
Other names: c.-152G>A (NM_001134830.2); c.-214G>A (NM_001134832.2, NM_017651.5); c.-408G>A (NM_001350503.2); c.-299G>A (NM_001350504.2).
Identifiers: ClinVar variation 355514 (VCV000355514.7), dbSNP rs113052089, ClinGen allele CA10626080.

ClinVar aggregate classification (germline): Benign. Review status: criteria provided, multiple submitters, no conflicts (2 of 4 stars). 2 submissions from 2 submitters: Benign (2). Last evaluated 2019-12-30.

Conditions:
Joubert syndrome 3 (JBTS3). Also called: AHI1-related Ciliopathy. Identifiers: Orphanet 220493, MedGen C1837713, MONDO:0012078, OMIM 608629.

Allele frequency attached by ClinVar (database versions not stated): 1000 Genomes Project 30x 0.02217; 1000 Genomes Project 0.02236; TOPMed 0.03390; gnomAD 0.03509 and 0.03529; gnomAD exomes 0.03627.
gnomAD v4.1: 5,716 of 163,520 alleles (3.5%); highest among the groups gnomAD compares: Admixed American, 4.8%; 156 homozygotes.

Submissions (2):

GeneDx
Classification: Benign. Last evaluated: 2019-12-30. Review status: criteria provided, single submitter. Criteria: GeneDx Variant Classification Process June 2021. Collection method: clinical testing. Allele origin: germline. Affected: yes.

Illumina Laboratory Services, Illumina
Classification: Benign for Joubert syndrome 3. Last evaluated: 2018-01-13. Review status: criteria provided, single submitter. Criteria: ICSL Variant Classification Criteria 13 December 2019. Collection method: clinical testing. Allele origin: germline.
Comment: This variant was observed in the ICSL laboratory as part of a predisposition screen in an ostensibly healthy population. It had not been previously curated by ICSL or reported in the Human Gene Mutation Database (HGMD: prior to June 1st, 2018), and was therefore a candidate for classification through an automated scoring system. Utilizing variant allele frequency, disease prevalence and penetrance estimates, and inheritance mode, an automated score was calculated to assess if this variant is too frequent to cause the disease. Based on the score and internal cut-off values, a variant classified as benign is not then subjected to further curation. The score for this variant resulted in a classification of benign for this disease.